The following is an entry in ClinVar:

NM_000157.4(GBA1):c.1000-2A>G

Genes: GBA1 (glucosylceramidase beta 1; minus strand), LOC106627981 (GBA recombination region; plus strand). Cytogenetic location: 1q22.
Variant type: single nucleotide variant.
Coding change: c.1000-2A>G on transcript NM_000157.4 (MANE Select); the canonical splice acceptor site of the intron before coding-DNA position 1000, A replaced by G.
Molecular consequence: splice acceptor variant.
Genome position (GRCh38, 1-based): chr1:155,236,471, T>C on the plus strand (A>G on the coding strand, the complement: GBA1 is on the minus strand). VCF-style: chr1-155236471-T-C. GRCh37 (hg19) VCF-style: chr1-155206262-T-C.
Other names: c.739-2A>G (NM_001171811.2); c.1000-2A>G (NM_001005742.3, NM_001005741.3); c.853-2A>G (NM_001171812.2).
Identifiers: ClinVar variation 4068436 (VCV004068436.2).

ClinVar aggregate classification (germline): Likely pathogenic (1 of 4 stars; one submission).

Conditions:
Gaucher disease. Also called: Kerasin lipoidosis; Kerasin thesaurismosis; Acute cerebral Gaucher disease; Cerebroside lipidosis syndrome; Gaucher splenomegaly; Sphingolipidosis 1. Identifiers: Orphanet 355, MedGen C0017205, MONDO:0018150.

Submission:

Natera, Inc.
Classification: Likely pathogenic for Gaucher disease. Last evaluated: 2025-09-22. Review status: criteria provided, single submitter. Criteria: Natera Variant Classification Schema (03/2026). Collection method: clinical testing. Allele origin: germline.
Comment: The c.1000-2A>G variant in GBA1 is a canonical splice acceptor site variant predicted to affect pre-mRNA splicing, which may result in an abnormal transcript and altered protein product. This variant is expected to result in nonsense mediated decay, truncation, or a dysfunctional protein product. This variant is rare in the general population with a frequency below the threshold expected for the associated phenotype(s). Given the available evidence, this variant is classified as Likely Pathogenic.